The following is an entry in ClinVar:

NM_001098.3(ACO2):c.822dup (p.Ile275fs)

Gene: ACO2 (aconitase 2; plus strand). Cytogenetic location: 22q13.2.
Variant type: Duplication.
Coding change: c.822dup on transcript NM_001098.3 (MANE Select); coding-DNA position 822, one base duplicated (C; older notation c.822dupC).
Protein change: p.Ile275fs; shifts the reading frame from isoleucine 275.
Molecular consequence: frameshift variant.
Genome position (GRCh38, 1-based): chr22:41,515,904, C duplicated; the last of 2 consecutive C bases (chr22:41,515,903-41,515,904); duplicating either gives the same sequence. VCF-style (leftmost placement, unchanged base first): chr22-41515902-T-TC. GRCh37 (hg19) VCF-style: chr22-41911906-T-TC.
Other names: c.822dupC (NM_001098.2); short protein forms I275fs.
Identifiers: ClinVar variation 1070844 (VCV001070844.10), dbSNP rs1188048436, ClinGen allele CA639826599.

ClinVar aggregate classification (germline): Pathogenic/Likely pathogenic. Review status: criteria provided, multiple submitters, no conflicts (2 of 4 stars). 4 submissions from 4 submitters: Pathogenic (1); Likely pathogenic (3). Last evaluated 2025-07-20.

Conditions:
ACO2-related disorder. Also called: ACO2-Related Disorders.

Submissions (4):

Labcorp Genetics (formerly Invitae), Labcorp
Classification: Pathogenic. Last evaluated: 2025-07-20. Review status: criteria provided, single submitter. Criteria: Invitae Variant Classification Sherloc (09022015). Collection method: clinical testing. Allele origin: germline.
Comment: This sequence change creates a premature translational stop signal (p.Ile275Hisfs*46) in the ACO2 gene. It is expected to result in an absent or disrupted protein product. Loss-of-function variants in ACO2 are known to be pathogenic (PMID: 30689204, 32519519). This variant is present in population databases (no rsID available, gnomAD 0.0009%). This variant has not been reported in the literature in individuals affected with ACO2-related conditions. ClinVar contains an entry for this variant (Variation ID: 1070844). For these reasons, this variant has been classified as Pathogenic.

PreventionGenetics, part of Exact Sciences
Classification: Likely pathogenic for ACO2-related condition. Last evaluated: 2025-02-17. Review status: criteria provided, single submitter. Criteria: ACMG Guidelines, 2015. Collection method: clinical testing. Allele origin: germline.
Comment: The ACO2 c.822dupC variant is predicted to result in a frameshift and premature protein termination (p.Ile275Hisfs*46). To our knowledge, this variant has not been reported in the literature. This variant is present in 0.00088% of alleles in individuals of European (Non-Finnish) descent in gnomAD. Frameshift variants in ACO2 are an established mechanism of disease. This variant is interpreted as likely pathogenic.

GeneDx
Classification: Likely pathogenic. Last evaluated: 2022-10-26. Review status: criteria provided, single submitter. Criteria: GeneDx Variant Classification Process June 2021. Collection method: clinical testing. Allele origin: germline. Affected: yes.
Comment: Frameshift variant predicted to result in protein truncation or nonsense mediated decay in a gene for which loss of function is a known mechanism of disease; Not observed at significant frequency in large population cohorts (gnomAD); Has not been previously published as pathogenic or benign to our knowledge

Blueprint Genetics
Classification: Likely pathogenic for ACO2-related disorders. Last evaluated: 2022-03-12. Review status: criteria provided, single submitter. Criteria: ACMG Guidelines, 2015. Collection method: clinical testing. Allele origin: germline. Affected: yes. Observed: 3 variant alleles.

Literature cited by the submitters: PubMed 30689204 (cited by Labcorp Genetics (formerly Invitae), Labcorp); PubMed 32519519 (cited by Labcorp Genetics (formerly Invitae), Labcorp).